The following is an entry in ClinVar:

ClinVar aggregate classification (germline): Benign (1 of 4 stars; one submission).

Allele frequency attached by ClinVar (database versions not stated): gnomAD 0.00003; TOPMed 0.00010.
gnomAD v4.1: 28 of 1,613,510 alleles (0.0017%); highest among the groups gnomAD compares: African/African-American, 0.016%; no homozygotes.

Submission:

GeneDx
Classification: Benign. Last evaluated: 2014-02-20. Review status: criteria provided, single submitter. Criteria: GeneDx Variant Classification (06012015). Collection method: clinical testing. Allele origin: germline. Affected: yes.
Comment: This variant is considered likely benign or benign based on one or more of the following criteria: it is a conservative change, it occurs at a poorly conserved position in the protein, it is predicted to be benign by multiple in silico algorithms, and/or has population frequency not consistent with disease.

NM_006859.4(LIAS):c.-35C>T

Genes: LIAS (lipoic acid synthetase; plus strand), LOC112939935 (Sharpr-MPRA regulatory region 11886; plus strand). Cytogenetic location: 4p14.
Variant type: single nucleotide variant.
Coding change: c.-35C>T on transcript NM_006859.4 (MANE Select); 35 bases upstream of the start codon, C replaced by T.
Molecular consequence: 5 prime UTR variant.
Genome position (GRCh38, 1-based): chr4:39,459,083, C>T. VCF-style: chr4-39459083-C-T. GRCh37 (hg19) VCF-style: chr4-39460703-C-T.
Other names: c.-35C>T (NM_001278590.2, NM_001278591.2, NM_001278592.2 and 2 more transcripts).
Identifiers: ClinVar variation 138120 (VCV000138120.1), dbSNP rs370817832, ClinGen allele CA291934.
Genomic context (GRCh38, chr4:39,459,083, plus strand): 5'-TGCTTGTCATAAATGGAGCGACGTAATTTCGACCTGTCCTTTCCCGGGAGTTAGCGATCC[C>T]TCAACCCCTGCACTGCGCTAGTCCTAAAGAGGAAATGTCTCTACGCTGCGGGGATGCAGC-3'